The following is an entry in ClinVar:

ClinVar aggregate classification (germline): Uncertain significance (1 of 4 stars; one submission).

Conditions:
Emery-Dreifuss muscular dystrophy 5, autosomal dominant (EDMD5). Also called: EMERY-DREIFUSS MUSCULAR DYSTROPHY 5. Identifiers: Orphanet 261, MedGen C2751805, MONDO:0013072, OMIM 612999.

gnomAD v4.1: 2 of 1,614,180 alleles (0.00012%); highest among the groups gnomAD compares: Non-Finnish European, 0.00017%; no homozygotes.

Submission:

Labcorp Genetics (formerly Invitae), Labcorp
Classification: Uncertain significance for Emery-Dreifuss muscular dystrophy 5, autosomal dominant. Last evaluated: 2018-11-27. Review status: criteria provided, single submitter. Criteria: Invitae Variant Classification Sherloc (09022015). Collection method: clinical testing. Allele origin: germline.
Comment: In summary, the available evidence is currently insufficient to determine the role of this variant in disease. Therefore, it has been classified as a Variant of Uncertain Significance. Algorithms developed to predict the effect of missense changes on protein structure and function output the following: SIFT: "Tolerated"; PolyPhen-2: "Benign"; Align-GVGD: "Class C0". The threonine amino acid residue is found in multiple mammalian species, suggesting that this missense change does not adversely affect protein function. These predictions have not been confirmed by published functional studies and their clinical significance is uncertain. This variant has not been reported in the literature in individuals with SYNE2-related conditions. This variant is not present in population databases (ExAC no frequency). This sequence change replaces alanine with threonine at codon 4085 of the SYNE2 protein (p.Ala4085Thr). The alanine residue is weakly conserved and there is a small physicochemical difference between alanine and threonine.

NM_182914.3(SYNE2):c.12253G>A (p.Ala4085Thr)

Gene: SYNE2 (spectrin repeat containing nuclear envelope protein 2; plus strand). Cytogenetic location: 14q23.2.
Variant type: single nucleotide variant.
Coding change: c.12253G>A on transcript NM_182914.3 (MANE Select); coding-DNA position 12253, G replaced by A.
Protein change: p.Ala4085Thr; replaces alanine 4085 with threonine.
Molecular consequence: missense variant.
Genome position (GRCh38, 1-based): chr14:64,098,093, G>A. VCF-style: chr14-64098093-G-A. GRCh37 (hg19) VCF-style: chr14-64564811-G-A.
Other names: c.12253G>A, p.Ala4085Thr (NM_015180.6); short protein forms A4085T.
Identifiers: ClinVar variation 652303 (VCV000652303.8), dbSNP rs772564360, ClinGen allele CA389952814.